The following is an entry in ClinVar:

ClinVar aggregate classification (germline): Likely benign. Review status: criteria provided, multiple submitters, no conflicts (2 of 4 stars). 6 submissions from 6 submitters: Likely benign (6). Last evaluated 2026-09-01.

Conditions:
Dilated cardiomyopathy 1G (CMD1G). Identifiers: Orphanet 154, MedGen C1858763, MONDO:0011400, OMIM 604145.
Autosomal recessive limb-girdle muscular dystrophy type 2J (LGMDR10). Also called: Limb-girdle muscular dystrophy, type 2J; MUSCULAR DYSTROPHY, LIMB-GIRDLE, AUTOSOMAL RECESSIVE 10. Identifiers: Orphanet 140922, MedGen C1837342, MONDO:0012127, OMIM 608807.
Myopathy, myofibrillar, 9, with early respiratory failure (MFM9). Also called: MYOPATHY, PROXIMAL, WITH EARLY RESPIRATORY MUSCLE INVOLVEMENT; Myopathy, distal, with early respiratory failure, autosomal dominant; Hereditary myopathy with early respiratory failure; EDSTROM MYOPATHY. Identifiers: Orphanet 178464, Orphanet 34521, MedGen C1863599, MONDO:0011362, OMIM 603689.
Early-onset myopathy with fatal cardiomyopathy (CMYO5). Also called: Salih Myopathy; CONGENITAL MYOPATHY 5 WITH CARDIOMYOPATHY. Identifiers: Orphanet 289377, MedGen C2673677, MONDO:0012714, OMIM 611705. Disease mechanism: loss of function.
Tibial muscular dystrophy (TMD). Also called: UDD MYOPATHY; Tibial muscular dystrophy, tardive; Udd Distal Myopathy – Tibial Muscular Dystrophy. Identifiers: Orphanet 609, MedGen C1838244, MONDO:0010870, OMIM 600334.
Hypertrophic cardiomyopathy 9. Also called: Familial hypertrophic cardiomyopathy 9. Identifiers: MedGen C1861065, MONDO:0013412, OMIM 613765.
Cardiomyopathy (CMYO). Also called: Cardiomyopathies. Identifiers: Orphanet 167848, MedGen C0878544, MONDO:0004994, HP:0001638. Inheritance: Various modes of inheritance.

Allele frequency attached by ClinVar (database versions not stated): gnomAD below 0.00001 and 0.00001; TOPMed 0.00001; ExAC 0.00002; gnomAD exomes 0.00004.
gnomAD v4.1: 65 of 1,603,974 alleles (0.0041%); highest among the groups gnomAD compares: South Asian, 0.04%; 1 homozygote.

Submissions (6):

CeGaT Center for Human Genetics Tuebingen
Classification: Likely benign. Last evaluated: 2026-09-01. Review status: criteria provided, single submitter. Criteria: CeGaT Center For Human Genetics Tuebingen Variant Classification Criteria Version 2. Collection method: clinical testing. Allele origin: germline. Affected: yes. Observed: 1 variant allele.
Comment: TTN: BP4, BP7

Labcorp Genetics (formerly Invitae), Labcorp
Classification: Likely benign for Dilated cardiomyopathy 1G; Autosomal recessive limb-girdle muscular dystrophy type 2J. Last evaluated: 2025-11-17. Review status: criteria provided, single submitter. Criteria: Invitae Variant Classification Sherloc (09022015). Collection method: clinical testing. Allele origin: germline.

Athena Diagnostics
Classification: Likely benign. Last evaluated: 2025-10-28. Review status: criteria provided, single submitter. Criteria: Athena Diagnostics Criteria. Collection method: clinical testing. Allele origin: unknown.
Comment: Computational tools yielded predictions that this variant is unlikely to have an effect on normal RNA splicing. This nucleotide position exhibits low evolutionary conservation.

Blueprint Genetics
Classification: Likely benign. Last evaluated: 2024-11-19. Review status: criteria provided, single submitter. Criteria: ACMG Guidelines, 2015. Collection method: clinical testing. Allele origin: germline.

Fulgent Genetics
Classification: Likely benign for Tibial muscular dystrophy; Myopathy, myofibrillar, 9, with early respiratory failure; Dilated cardiomyopathy 1G; Autosomal recessive limb-girdle muscular dystrophy type 2J; Early-onset myopathy with fatal cardiomyopathy; Hypertrophic cardiomyopathy 9. Last evaluated: 2021-09-20. Review status: criteria provided, single submitter. Criteria: ACMG Guidelines, 2015. Collection method: clinical testing. Allele origin: unknown.

CHEO Genetics Diagnostic Laboratory, Children's Hospital of Eastern Ontario
Classification: Likely benign for Cardiomyopathy. Last evaluated: 2020-08-26. Review status: criteria provided, single submitter. Criteria: ACMG Guidelines, 2015. Collection method: clinical testing. Allele origin: germline.

NM_001267550.2(TTN):c.46170G>A (p.Pro15390=)

Gene: TTN (titin; minus strand). Cytogenetic location: 2q31.2.
Variant type: single nucleotide variant.
Coding change: c.46170G>A on transcript NM_001267550.2 (MANE Select); coding-DNA position 46170, G replaced by A.
Protein change: p.Pro15390=; no amino-acid change (proline 15390 retained).
Molecular consequence: synonymous variant.
Genome position (GRCh38, 1-based): chr2:178,620,351, C>T on the plus strand (G>A on the coding strand, the complement: TTN is on the minus strand). VCF-style: chr2-178620351-C-T. GRCh37 (hg19) VCF-style: chr2-179485078-C-T.
Other names: c.41247G>A, p.Pro13749= (NM_001256850.1); c.18975G>A, p.Pro6325= (NM_003319.4); c.38466G>A, p.Pro12822= (NM_133378.4); c.19350G>A, p.Pro6450= (NM_133432.3); c.19551G>A, p.Pro6517= (NM_133437.4); c.46170G>A (NM_001267550.1).
Identifiers: ClinVar variation 698642 (VCV000698642.17), dbSNP rs747163190, ClinGen allele CA1995293.
Genomic context (GRCh38, chr2:178,620,351, plus strand): 5'-GAAGACAGCGTCATCGAACTCAGTGACTGTCTGATCTTCCAAGTGTTCCACAAATTCTGT[C>T]GGGGCTTCTATGATGAGAAGCTCAGCAACAGATTTATCTTGTCCAGCAGTGACAATGTAT-3'
Protein context (NP_001254479.2, residues 15380-15400): SVAELLIIEA[Pro15390=]TEFVEHLEDQ